The following is an entry in ClinVar:

ClinVar aggregate classification (germline): Uncertain significance. Review status: criteria provided, multiple submitters, no conflicts (2 of 4 stars). 2 submissions from 2 submitters: Uncertain significance (2). Last evaluated 2024-10-07.

Conditions:
Deficiency of alpha-mannosidase (MANSA). Also called: LYSOSOMAL ALPHA-D-MANNOSIDASE DEFICIENCY; Alpha-Mannosidosis; Mannosidosis, alpha-, types I and II. Identifiers: Orphanet 61, MedGen C0024748, MONDO:0009561, OMIM 248500.

Allele frequency attached by ClinVar (database versions not stated): TOPMed 0.00001.
gnomAD v4.1: 4 of 1,613,866 alleles (0.00025%); highest among the groups gnomAD compares: Non-Finnish European, 0.00025%; no homozygotes.

Submissions (2):

Labcorp Genetics (formerly Invitae), Labcorp
Classification: Uncertain significance for Deficiency of alpha-mannosidase. Last evaluated: 2024-10-07. Review status: criteria provided, single submitter. Criteria: Invitae Variant Classification Sherloc (09022015). Collection method: clinical testing. Allele origin: germline.
Comment: This sequence change replaces arginine, which is basic and polar, with proline, which is neutral and non-polar, at codon 638 of the MAN2B1 protein (p.Arg638Pro). This variant is present in population databases (no rsID available, gnomAD 0.0009%). This variant has not been reported in the literature in individuals affected with MAN2B1-related conditions. ClinVar contains an entry for this variant (Variation ID: 890634). Invitae Evidence Modeling of protein sequence and biophysical properties (such as structural, functional, and spatial information, amino acid conservation, physicochemical variation, residue mobility, and thermodynamic stability) indicates that this missense variant is not expected to disrupt MAN2B1 protein function with a negative predictive value of 95%. In summary, the available evidence is currently insufficient to determine the role of this variant in disease. Therefore, it has been classified as a Variant of Uncertain Significance.

Illumina Laboratory Services, Illumina
Classification: Uncertain significance for Deficiency of alpha-mannosidase. Last evaluated: 2018-01-13. Review status: criteria provided, single submitter. Criteria: ICSL Variant Classification Criteria 13 December 2019. Collection method: clinical testing. Allele origin: germline.

NM_000528.4(MAN2B1):c.1913G>C (p.Arg638Pro)

Gene: MAN2B1 (mannosidase alpha class 2B member 1; minus strand). Cytogenetic location: 19p13.13.
Variant type: single nucleotide variant.
Coding change: c.1913G>C on transcript NM_000528.4 (MANE Select); coding-DNA position 1913, G replaced by C.
Protein change: p.Arg638Pro; replaces arginine 638 with proline.
Molecular consequence: missense variant.
Genome position (GRCh38, 1-based): chr19:12,652,378, C>G on the plus strand (G>C on the coding strand, the complement: MAN2B1 is on the minus strand). VCF-style: chr19-12652378-C-G. GRCh37 (hg19) VCF-style: chr19-12763192-C-G.
Other names: c.1910G>C, p.Arg637Pro (NM_001173498.2); short protein forms R637P, R638P.
Identifiers: ClinVar variation 890634 (VCV000890634.6), dbSNP rs146725928, ClinGen allele CA404244482.